The following is an entry in ClinVar:

ClinVar aggregate classification (germline): Uncertain significance (1 of 4 stars; one submission).

Conditions:
Inborn genetic diseases. Identifiers: MedGen C0950123, MeSH D030342.

gnomAD v4.1: 1 of 1,599,344 alleles (0.000063%); highest among the groups gnomAD compares: African/African-American, 0.0013%; no homozygotes.

Submission:

Ambry Genetics
Classification: Uncertain significance for Inborn genetic diseases. Last evaluated: 2024-03-19. Review status: criteria provided, single submitter. Criteria: Ambry Variant Classification Scheme 2023. Collection method: clinical testing. Allele origin: germline.
Comment: The p.A1166G variant (also known as c.3497C>G) is located in coding exon 26 of the LRRK2 gene. The alanine at codon 1166 is replaced by glycine, an amino acid with similar properties. This change occurs in the first base pair of coding exon 26. This amino acid position is conserved. In addition, this alteration is predicted to be tolerated by in silico analysis. Based on the available evidence, the clinical significance of this alteration remains unclear.

NM_198578.4(LRRK2):c.3497C>G (p.Ala1166Gly)

Gene: LRRK2 (leucine rich repeat kinase 2; plus strand). Cytogenetic location: 12q12.
Variant type: single nucleotide variant.
Coding change: c.3497C>G on transcript NM_198578.4 (MANE Select); coding-DNA position 3497, C replaced by G.
Protein change: p.Ala1166Gly; replaces alanine 1166 with glycine.
Molecular consequence: missense variant.
Genome position (GRCh38, 1-based): chr12:40,302,789, C>G. VCF-style: chr12-40302789-C-G. GRCh37 (hg19) VCF-style: chr12-40696591-C-G.
Other names: short protein forms A1166G.
Identifiers: ClinVar variation 3291926 (VCV003291926.1).
Genomic context (GRCh38, chr12:40,302,789, plus strand): 5'-GAATTTAATGGAAATCTGGTTAAAATGATTAAAATGTTTATCTCATTTTTTTTCTTTTAG[C>G]TGCTATGCCTTTCTTGCCTCCTTCTATGACAATCCTAAAATTATCTCAGAACAAATTTTC-3'
Protein context (NP_940980.4, residues 1156-1176): ESFSARMNFL[Ala1166Gly]AMPFLPPSMT